The following is an entry in ClinVar:

ClinVar aggregate classification (germline): Uncertain significance (1 of 4 stars; one submission).

Submission:

Ambry Genetics
Classification: Uncertain significance. Last evaluated: 2024-10-14. Review status: criteria provided, single submitter. Criteria: Ambry Variant Classification Scheme 2023. Collection method: clinical testing. Allele origin: germline.
Comment: The p.Y741C variant (also known as c.2222A>G), located in coding exon 14 of the POLQ gene, results from an A to G substitution at nucleotide position 2222. The tyrosine at codon 741 is replaced by cysteine, an amino acid with highly dissimilar properties. This amino acid position is conserved. In addition, the in silico prediction for this alteration is inconclusive. Based on the available evidence, the clinical significance of this variant remains unclear.

NM_199420.4(POLQ):c.2222A>G (p.Tyr741Cys)

Gene: POLQ (DNA polymerase theta; minus strand). Cytogenetic location: 3q13.33.
Variant type: single nucleotide variant.
Coding change: c.2222A>G on transcript NM_199420.4 (MANE Select); coding-DNA position 2222, A replaced by G.
Protein change: p.Tyr741Cys; replaces tyrosine 741 with cysteine.
Molecular consequence: missense variant.
Genome position (GRCh38, 1-based): chr3:121,496,864, T>C on the plus strand (A>G on the coding strand, the complement: POLQ is on the minus strand). VCF-style: chr3-121496864-T-C. GRCh37 (hg19) VCF-style: chr3-121215711-T-C.
Other names: short protein forms Y741C.
Identifiers: ClinVar variation 3422596 (VCV003422596.1).